The following is an entry in ClinVar:

ClinVar aggregate classification (germline): Uncertain significance (1 of 4 stars; one submission).

Conditions:
Symmetrical dyschromatosis of extremities (DSH). Also called: DYSCHROMATOSIS SYMMETRICA HEREDITARIA 1; Dyschromatosis symmetrica hereditaria; RETICULATE ACROPIGMENTATION OF DOHI; SYMMETRIC DYSCHROMATOSIS OF THE EXTREMITIES. Identifiers: Orphanet 41, MedGen C0406775, MONDO:0007483, OMIM 127400.
Aicardi-Goutieres syndrome 6 (AGS6). Identifiers: Orphanet 51, MedGen C3539013, MONDO:0014007, OMIM 615010.

gnomAD v4.1: 7 of 1,614,070 alleles (0.00043%); highest among the groups gnomAD compares: South Asian, 0.0077%; no homozygotes.

Submission:

Labcorp Genetics (formerly Invitae), Labcorp
Classification: Uncertain significance for Aicardi-Goutieres syndrome 6; Symmetrical dyschromatosis of extremities. Last evaluated: 2026-02-01. Review status: criteria provided, single submitter. Criteria: Invitae Variant Classification Sherloc (09022015). Collection method: clinical testing. Allele origin: germline.
Comment: This sequence change replaces serine, which is neutral and polar, with cysteine, which is neutral and slightly polar, at codon 236 of the ADAR protein (p.Ser236Cys). This variant is present in population databases (no rsID available, gnomAD 0.01%). This variant has not been reported in the literature in individuals affected with ADAR-related conditions. Experimental studies and prediction algorithms are not available or were not evaluated, and the functional significance of this variant is currently unknown. In summary, the available evidence is currently insufficient to determine the role of this variant in disease. Therefore, it has been classified as a Variant of Uncertain Significance.

NM_001111.5(ADAR):c.707C>G (p.Ser236Cys)

Gene: ADAR (adenosine deaminase RNA specific; minus strand). Cytogenetic location: 1q21.3.
Variant type: single nucleotide variant.
Coding change: c.707C>G on transcript NM_001111.5 (MANE Select); coding-DNA position 707, C replaced by G.
Protein change: p.Ser236Cys; replaces serine 236 with cysteine.
Molecular consequence: missense variant. On other transcripts: 5 prime UTR variant (6).
Genome position (GRCh38, 1-based): chr1:154,601,935, G>C on the plus strand (C>G on the coding strand, the complement: ADAR is on the minus strand). VCF-style: chr1-154601935-G-C. GRCh37 (hg19) VCF-style: chr1-154574411-G-C.
Other names: c.-179C>G (NM_001025107.3, NM_001193495.2, NM_001365046.1 and 3 more transcripts); c.734C>G, p.Ser245Cys (NM_001365045.1); c.707C>G, p.Ser236Cys (NM_015840.4, NM_015841.4); short protein forms S245C, S236C.
Identifiers: ClinVar variation 4794911 (VCV004794911.1).
Genomic context (GRCh38, chr1:154,601,935, plus strand): 5'-TGCTGGTTCCAAGCCTGAGCTGAGACTGCAATAAAAGGCTCAAGAAGATCTTCTGAGACA[G>C]ATGTGGAGTTTCTGTCTTCCGGTTCCAAACTCGGGTCTGAGTTTGGGGCTCCTTGGCTAT-3'
Protein context (NP_001102.3, residues 226-246): SLEPEDRNST[Ser236Cys]VSEDLLEPFI